The following is an entry in ClinVar:

NM_000052.7(ATP7A):c.1933C>T (p.Arg645Ter)

Gene: ATP7A (ATPase copper transporting alpha; plus strand). Cytogenetic location: Xq21.1.
Variant type: single nucleotide variant.
Coding change: c.1933C>T on transcript NM_000052.7 (MANE Select); coding-DNA position 1933, C replaced by T.
Protein change: p.Arg645Ter; replaces arginine 645 with a stop codon.
Molecular consequence: nonsense.
Genome position (GRCh38, 1-based): chrX:78,011,239, C>T. VCF-style: chrX-78011239-C-T. GRCh37 (hg19) VCF-style: chrX-77266736-C-T.
Other names: c.1933C>T, p.Arg645Ter (NM_001282224.2); short protein forms R645*.
Identifiers: ClinVar variation 210404 (VCV000210404.24), dbSNP rs72554640, ClinGen allele CA277101.

ClinVar aggregate classification (germline): Pathogenic. Review status: criteria provided, multiple submitters, no conflicts (2 of 4 stars). 8 submissions from 8 submitters: Pathogenic (4). 4 of the submissions do not count toward it. Last evaluated 2024-02-24.

Conditions:
Menkes kinky-hair syndrome (MNK). Also called: Menkes Disease; Copper transport disease; Classic Menkes Disease. Identifiers: Orphanet 565, MedGen C0022716, MONDO:0010651, OMIM 309400.
Cutis laxa, X-linked (OHS). Also called: EDS IX; Occipital horn syndrome. Identifiers: Orphanet 198, MedGen C0268353, MONDO:0010572, OMIM 304150.
X-linked distal spinal muscular atrophy type 3. Also called: SPINAL MUSCULAR ATROPHY, DISTAL, X-LINKED RECESSIVE; NEURONOPATHY, DISTAL HEREDITARY MOTOR, X-LINKED; NEUROPATHY, DISTAL HEREDITARY MOTOR, X-LINKED; ATP7A-Related Distal Motor Neuropathy. Identifiers: Orphanet 139557, MedGen C1845359, MONDO:0010338, OMIM 300489.

Submissions (8):

Labcorp Genetics (formerly Invitae), Labcorp
Classification: Pathogenic for X-linked distal spinal muscular atrophy type 3; Cutis laxa, X-linked; Menkes kinky-hair syndrome. Last evaluated: 2024-02-24. Review status: criteria provided, single submitter. Criteria: Invitae Variant Classification Sherloc (09022015). Collection method: clinical testing. Allele origin: germline.
Comment: This sequence change creates a premature translational stop signal (p.Arg645*) in the ATP7A gene. It is expected to result in an absent or disrupted protein product. Loss-of-function variants in ATP7A are known to be pathogenic (PMID: 11241493, 20652413). This variant is not present in population databases (gnomAD no frequency). This premature translational stop signal has been observed in individual(s) with ATP7A-related conditions (PMID: 7977350, 32005694). ClinVar contains an entry for this variant (Variation ID: 210404). Algorithms developed to predict the effect of sequence changes on RNA splicing suggest that this variant may disrupt the consensus splice site. For these reasons, this variant has been classified as Pathogenic.

Women's Health and Genetics/Laboratory Corporation of America, LabCorp
Classification: Pathogenic for Menkes kinky-hair syndrome. Last evaluated: 2020-04-03. Review status: criteria provided, single submitter. Criteria: LabCorp Variant Classification Summary - May 2015. Collection method: clinical testing. Allele origin: germline.
Comment: Variant summary: ATP7A c.1933C>T (p.Arg645X) results in a premature termination codon, predicted to cause a truncation of the encoded protein or absence of the protein due to nonsense mediated decay, which are commonly known mechanisms for disease. The variant was absent in 183238 control chromosomes (gnomAD). c.1933C>T has been reported in the literature in multiple individuals affected with Menkes kinky-hair syndrome (e.g. Das_1994, Hahn_2001, Mohamed_2015, Tumer_1997). These data indicate that the variant is very likely to be associated with disease. Two ClinVar submitters (evaluation after 2014) cite the variant as pathogenic. Based on the evidence outlined above, the variant was classified as pathogenic.

ARUP Laboratories, Molecular Genetics and Genomics, ARUP Laboratories
Classification: Pathogenic. Last evaluated: 2017-08-16. Review status: criteria provided, single submitter. Criteria: ARUP Molecular Germline Variant Investigation Process. Collection method: clinical testing. Allele origin: germline.

Genetic Services Laboratory, University of Chicago
Classification: Pathogenic for Menkes disease. Last evaluated: 2013-02-08. Review status: criteria provided, single submitter. Criteria: ACMG Guidelines, 2007. Collection method: clinical testing. Allele origin: germline. Affected: yes.

Laboratory of Research in Genomics, Genetics and Bioinformatics, Hospital Infantil de Mexico Federico Gomez
Classification: Pathogenic for Menkes kinky-hair syndrome. Last evaluated: 2025-04-08. Review status: no assertion criteria provided. Collection method: research. Allele origin: germline. Affected: yes. Not counted in ClinVar's aggregate classification.

Natera, Inc.
Classification: Pathogenic for Distal spinal muscular atrophy, X-linked 3; Cutis laxa, X-linked; Menkes kinky-hair syndrome. Last evaluated: 2020-09-16. Review status: no assertion criteria provided. Collection method: clinical testing. Allele origin: germline. Not counted in ClinVar's aggregate classification.

Foundation for Research in Genetics and Endocrinology, FRIGE's Institute of Human Genetics
Classification: Pathogenic for Menkes kinky-hair syndrome. Last evaluated: 2018-09-18. Review status: no assertion criteria provided. Collection method: clinical testing. Allele origin: germline. Inheritance: X-linked recessive inheritance. Affected: yes. Observed: 1 hemizygote. Not counted in ClinVar's aggregate classification.
Comment: The observed variant c.1933C>T has not been reported in 1000 Genomes and ExAC databases. The in silico prediction of the given variant is damaging by MutationTaster2 and LRT.

Inherited Neuropathy Consortium Ii, University Of Miami
Classification: Uncertain significance for Menkes kinky-hair syndrome. Last evaluated: 2016-01-06. Review status: no assertion criteria provided. Collection method: literature only. Allele origin: germline. Affected: yes. Not counted in ClinVar's aggregate classification.

Literature cited by the submitters: PubMed 11241493 (cited by Labcorp Genetics (formerly Invitae), Labcorp); PubMed 20652413 (cited by Labcorp Genetics (formerly Invitae), Labcorp); PubMed 7977350 (cited by Labcorp Genetics (formerly Invitae), Labcorp and Women's Health and Genetics/Laboratory Corporation of America, LabCorp); PubMed 32005694 (cited by Labcorp Genetics (formerly Invitae), Labcorp and Women's Health and Genetics/Laboratory Corporation of America, LabCorp); PubMed 11350187 (cited by Women's Health and Genetics/Laboratory Corporation of America, LabCorp); PubMed 26117549 (cited by Women's Health and Genetics/Laboratory Corporation of America, LabCorp); PubMed 8981948 (cited by Women's Health and Genetics/Laboratory Corporation of America, LabCorp); PubMed 22552817 (cited by Inherited Neuropathy Consortium Ii, University Of Miami).